The following is an entry in ClinVar:

NM_000264.5(PTCH1):c.1705G>A (p.Ala569Thr)

Gene: PTCH1 (patched 1; minus strand). Cytogenetic location: 9q22.32.
Variant type: single nucleotide variant.
Coding change: c.1705G>A on transcript NM_000264.5 (MANE Select); coding-DNA position 1705, G replaced by A.
Protein change: p.Ala569Thr; replaces alanine 569 with threonine.
Molecular consequence: missense variant. On other transcripts: non-coding transcript variant (1).
Genome position (GRCh38, 1-based): chr9:95,476,057, C>T on the plus strand (G>A on the coding strand, the complement: PTCH1 is on the minus strand). VCF-style: chr9-95476057-C-T. GRCh37 (hg19) VCF-style: chr9-98238339-C-T.
Other names: c.1705G>A (NM_000264.3); c.1507G>A, p.Ala503Thr (NM_001083602.3); c.1702G>A, p.Ala568Thr (NM_001083603.3); c.1252G>A, p.Ala418Thr (NM_001083604.3, NM_001083605.3, NM_001083606.3 and 1 more transcripts); c.1549G>A, p.Ala517Thr (NM_001354918.2); short protein forms A418T, A503T, A517T, A568T, A569T.
Identifiers: ClinVar variation 1000779 (VCV001000779.11), dbSNP rs753240797, ClinGen allele CA5138579.

ClinVar aggregate classification (germline): Uncertain significance. Review status: criteria provided, multiple submitters, no conflicts (2 of 4 stars). 2 submissions from 2 submitters: Uncertain significance (2). Last evaluated 2025-11-09.

Conditions:
Gorlin syndrome. Also called: Nevoid Basal Cell Carcinoma Syndrome; Basal cell nevus syndrome. Identifiers: Orphanet 377, MedGen C0004779, MONDO:0007187.
Hereditary cancer-predisposing syndrome. Also called: Hereditary neoplastic syndrome; Neoplastic Syndromes, Hereditary; Tumor predisposition; Hereditary Cancer Syndrome. Identifiers: Orphanet 140162, MedGen C0027672, MeSH D009386, MONDO:0015356.

Allele frequency attached by ClinVar (database versions not stated): gnomAD exomes below 0.00001; ExAC 0.00001.
gnomAD v4.1: 1 of 1,614,056 alleles (0.000062%); highest among the groups gnomAD compares: Non-Finnish European, 0.000085%; no homozygotes.

Submissions (2):

Ambry Genetics
Classification: Uncertain significance for Hereditary cancer-predisposing syndrome. Last evaluated: 2025-11-09. Review status: criteria provided, single submitter. Criteria: Ambry Variant Classification Scheme 2023. Collection method: clinical testing. Allele origin: germline.
Comment: The p.A569T variant (also known as c.1705G>A), located in coding exon 12 of the PTCH1 gene, results from a G to A substitution at nucleotide position 1705. The alanine at codon 569 is replaced by threonine, an amino acid with similar properties. This amino acid position is highly conserved in available vertebrate species. In addition, this alteration is predicted to be deleterious by in silico analysis. Since supporting evidence is limited at this time, the clinical significance of this alteration remains unclear.

Labcorp Genetics (formerly Invitae), Labcorp
Classification: Uncertain significance for Gorlin syndrome. Last evaluated: 2024-06-06. Review status: criteria provided, single submitter. Criteria: Invitae Variant Classification Sherloc (09022015). Collection method: clinical testing. Allele origin: germline.
Comment: This sequence change replaces alanine, which is neutral and non-polar, with threonine, which is neutral and polar, at codon 569 of the PTCH1 protein (p.Ala569Thr). This variant is not present in population databases (gnomAD no frequency). This variant has not been reported in the literature in individuals affected with PTCH1-related conditions. ClinVar contains an entry for this variant (Variation ID: 1000779). Advanced modeling of protein sequence and biophysical properties (such as structural, functional, and spatial information, amino acid conservation, physicochemical variation, residue mobility, and thermodynamic stability) has been performed at Invitae for this missense variant, however the output from this modeling did not meet the statistical confidence thresholds required to predict the impact of this variant on PTCH1 protein function. This variant disrupts the p.Ala569 amino acid residue in PTCH1. Other variant(s) that disrupt this residue have been determined to be pathogenic (Invitae). This suggests that this residue is clinically significant, and that variants that disrupt this residue are likely to be disease-causing. In summary, the available evidence is currently insufficient to determine the role of this variant in disease. Therefore, it has been classified as a Variant of Uncertain Significance.